The following is an entry in ClinVar:

ClinVar aggregate classification (germline): Uncertain significance (1 of 4 stars; one submission).

Conditions:
Focal segmental glomerulosclerosis 5 (FSGS5). Identifiers: Orphanet 656, MedGen C2750475, MONDO:0013191, OMIM 613237.
Charcot-Marie-Tooth disease dominant intermediate E. Also called: CHARCOT-MARIE-TOOTH NEUROPATHY WITH FOCAL SEGMENTAL GLOMERULONEPHRITIS. Identifiers: Orphanet 93114, MedGen C4302667, MONDO:0013758, OMIM 614455.

Allele frequency attached by ClinVar (database versions not stated): TOPMed below 0.00001; gnomAD exomes 0.00001.

Submission:

Labcorp Genetics (formerly Invitae), Labcorp
Classification: Uncertain significance for Charcot-Marie-Tooth disease dominant intermediate E; Focal segmental glomerulosclerosis 5. Last evaluated: 2020-12-03. Review status: criteria provided, single submitter. Criteria: Invitae Variant Classification Sherloc (09022015). Collection method: clinical testing. Allele origin: germline.
Comment: This variant is not present in population databases (ExAC no frequency). In summary, the available evidence is currently insufficient to determine the role of this variant in disease. Therefore, it has been classified as a Variant of Uncertain Significance. Algorithms developed to predict the effect of sequence changes on RNA splicing suggest that this variant may disrupt the consensus splice site, but this prediction has not been confirmed by published transcriptional studies. This variant has not been reported in the literature in individuals with INF2-related conditions. This variant, c.2309_2310insCGT, results in the insertion of 1 amino acid(s) to the INF2 protein (p.Tyr770_Gly771insVal), but otherwise preserves the integrity of the reading frame.

NM_022489.4(INF2):c.2310_2310+2dup

Gene: INF2 (inverted formin 2; plus strand). Cytogenetic location: 14q32.33.
Variant type: Duplication.
Coding change: c.2310_2310+2dup on transcript NM_022489.4 (MANE Select); coding-DNA position 2310 through the canonical splice donor site of the intron after coding-DNA position 2310, 3 bases duplicated (CGT; older notation c.2310_2310+2dupCGT).
Molecular consequence: splice donor variant.
Genome position (GRCh38, 1-based): chr14:104,711,007-104,711,009, CGT duplicated. VCF-style (leftmost placement, unchanged base first): chr14-104711006-A-ACGT. GRCh37 (hg19) VCF-style: chr14-105177343-A-ACGT.
Other names: c.2310_2310+2dup (NM_001031714.4).
Identifiers: ClinVar variation 1377326 (VCV001377326.8), dbSNP rs1424859343, ClinGen allele CA616584892.